The following is an entry in ClinVar:

ClinVar aggregate classification (germline): Uncertain significance (1 of 4 stars; one submission).

Conditions:
Hereditary cancer-predisposing syndrome. Also called: Neoplastic Syndromes, Hereditary; Tumor predisposition; Hereditary neoplastic syndrome; Hereditary Cancer Syndrome. Identifiers: Orphanet 140162, MedGen C0027672, MeSH D009386, MONDO:0015356.
Cardiovascular phenotype. Identifiers: MedGen CN230736.

Submission:

Ambry Genetics
Classification: Uncertain significance for Cardiovascular phenotype; Hereditary cancer-predisposing syndrome. Last evaluated: 2025-06-09. Review status: criteria provided, single submitter. Criteria: Ambry Variant Classification Scheme 2023. Collection method: clinical testing. Allele origin: germline.
Comment: The c.2470_2472delGGA variant (also known as p.G824del) is located in coding exon 21 of the NF1 gene. This variant results from an in-frame GGA deletion at nucleotide positions 2470 to 2472. This results in the in-frame deletion of a glycine at codon 824. This amino acid position is highly conserved in available vertebrate species. In addition, the in silico prediction for this alteration is inconclusive (Choi Y et al. PLoS ONE. 2012; 7(10):e46688). Since supporting evidence is limited at this time, the clinical significance of this alteration remains unclear.

NM_001042492.3(NF1):c.2464GGA[2] (p.Gly824del)

Gene: NF1 (neurofibromin 1; plus strand). Cytogenetic location: 17q11.2.
Variant type: Microsatellite.
Coding change: c.2464GGA[2] on transcript NM_001042492.3 (MANE Select); two copies in a row of the 3-base unit GGA starting at c.2464; the reference has three copies in a row; one copy, 3 bases deleted.
Protein change: p.Gly824del; deletes glycine 824.
Molecular consequence: inframe deletion. On other transcripts: inframe indel (1).
Genome position (GRCh38, 1-based): chr17:31,229,085-31,229,087, GGA deleted; deleting any 3 consecutive bases within chr17:31,229,079-31,229,087 gives the same sequence; the position shown is the placement nearest the transcript's 3' end. VCF-style (leftmost placement, unchanged base first): chr17-31229078-TGGA-T. GRCh37 (hg19) VCF-style: chr17-29556096-TGGA-T.
Other names: c.2470_2472delGGA (NM_000267.3); c.2464_2466GGA[2], p.Gly824del (NM_000267.4); short protein forms G824del.
Identifiers: ClinVar variation 2452248 (VCV002452248.3), dbSNP rs2508182094, ClinGen allele CA2580614085.